The following is an entry in ClinVar:

ClinVar aggregate classification (germline): Uncertain significance. Review status: criteria provided, multiple submitters, no conflicts (2 of 4 stars). 3 submissions from 3 submitters: Uncertain significance (3). Last evaluated 2025-07-24.

Conditions:
Inborn genetic diseases. Identifiers: MedGen C0950123, MeSH D030342.
DMXL2-related disorder. Also called: DMXL2-related condition.

gnomAD v4.1: 1 of 1,613,322 alleles (0.000062%); highest among the groups gnomAD compares: Non-Finnish European, 0.000085%; no homozygotes.

Submissions (3):

PreventionGenetics, part of Exact Sciences
Classification: Uncertain significance for DMXL2-related condition. Last evaluated: 2025-07-24. Review status: criteria provided, single submitter. Criteria: ACMG Guidelines, 2015. Collection method: clinical testing. Allele origin: germline.
Comment: The DMXL2 c.2983C>T variant is predicted to result in the amino acid substitution p.Pro995Ser. To our knowledge, this variant has not been reported in the literature or in a large population database (gnomAD), indicating this variant is rare. At this time, the clinical significance of this variant is uncertain due to the absence of conclusive functional and genetic evidence.

Ambry Genetics
Classification: Uncertain significance for Inborn genetic diseases. Last evaluated: 2024-11-25. Review status: criteria provided, single submitter. Criteria: Ambry Variant Classification Scheme 2023. Collection method: clinical testing. Allele origin: germline.

Blueprint Genetics
Classification: Uncertain significance. Last evaluated: 2024-06-17. Review status: criteria provided, single submitter. Criteria: ACMG Guidelines, 2015. Collection method: clinical testing. Allele origin: germline.

NM_001378457.1(DMXL2):c.2983C>T (p.Pro995Ser)

Gene: DMXL2 (Dmx like 2; minus strand). Cytogenetic location: 15q21.2.
Variant type: single nucleotide variant.
Coding change: c.2983C>T on transcript NM_001378457.1 (MANE Select); coding-DNA position 2983, C replaced by T.
Protein change: p.Pro995Ser; replaces proline 995 with serine.
Molecular consequence: missense variant. On other transcripts: non-coding transcript variant (2), intron variant (2).
Genome position (GRCh38, 1-based): chr15:51,502,815, G>A on the plus strand (C>T on the coding strand, the complement: DMXL2 is on the minus strand). VCF-style: chr15-51502815-G-A. GRCh37 (hg19) VCF-style: chr15-51795012-G-A.
Other names: c.2983C>T, p.Pro995Ser (NM_001174116.3, NM_001378458.1, NM_001378459.1 and 4 more transcripts); c.2743C>T, p.Pro915Ser (NM_001378464.1); c.2764+4319C>T (NM_001378460.1, NM_001174117.3); short protein forms P915S, P995S.
Identifiers: ClinVar variation 3502840 (VCV003502840.3).